The following is an entry in ClinVar:

ClinVar aggregate classification (germline): Pathogenic (1 of 4 stars; one submission).

Conditions:
CHARGE syndrome (CHARGE). Also called: CHARGE ASSOCIATION--COLOBOMA, HEART ANOMALY, CHOANAL ATRESIA, RETARDATION, GENITAL AND EAR ANOMALIES; Coloboma, heart anomaly, choanal atresia, retardation, genital and ear anomalies; CHARGE association; Hall-Hittner syndrome; Hittner Hirsch Kreh syndrome. Identifiers: Orphanet 138, MedGen C0265354, MONDO:0008965.

Submission:

Labcorp Genetics (formerly Invitae), Labcorp
Classification: Pathogenic for CHARGE syndrome. Last evaluated: 2016-12-08. Review status: criteria provided, single submitter. Criteria: Invitae Variant Classification Sherloc (09022015). Collection method: clinical testing. Allele origin: germline.
Comment: For these reasons, this variant has been classified as Pathogenic. While this particular variant has not been reported in the literature, loss-of-function variants in CHD7 are known to be pathogenic (PMID: 16400610, 22461308). This sequence change deletes 2 nucleotides from exon 31 of the CHD7 mRNA (c.6163_6164delCT), causing a frameshift at codon 2055. This creates a premature translational stop signal (p.Leu2055Valfs*4) and is expected to result in an absent or disrupted protein product.

Literature cited by the submitters: PubMed 16400610; PubMed 22461308.

NM_017780.4(CHD7):c.6163_6164del (p.Leu2055fs)

Gene: CHD7 (chromodomain helicase DNA binding protein 7; plus strand). Cytogenetic location: 8q12.2.
Variant type: Microsatellite.
Coding change: c.6163_6164del on transcript NM_017780.4 (MANE Select); coding-DNA positions 6163 to 6164, 2 bases deleted (CT; older notation c.6163_6164delCT).
Protein change: p.Leu2055fs; shifts the reading frame from leucine 2055.
Molecular consequence: frameshift variant. On other transcripts: intron variant (1).
Genome position (GRCh38, 1-based): chr8:60,852,888-60,852,889, CT deleted; deleting any 2 consecutive bases within chr8:60,852,886-60,852,889 gives the same sequence; the c. name uses the placement nearest the transcript's 3' end. VCF-style (leftmost placement, unchanged base first): chr8-60852885-ACT-A. GRCh37 (hg19) VCF-style: chr8-61765444-ACT-A.
Other names: c.1717-9341_1717-9340del (NM_001316690.1); short protein forms L2055fs.
Identifiers: ClinVar variation 411186 (VCV000411186.8), dbSNP rs1060503185, ClinGen allele CA16612522.